The following is an entry in ClinVar:

NM_001122769.3(LCA5):c.1825T>C (p.Phe609Leu)

Gene: LCA5 (lebercilin LCA5; minus strand). Cytogenetic location: 6q14.1.
Variant type: single nucleotide variant.
Coding change: c.1825T>C on transcript NM_001122769.3 (MANE Select); coding-DNA position 1825, T replaced by C.
Protein change: p.Phe609Leu; replaces phenylalanine 609 with leucine.
Molecular consequence: missense variant.
Genome position (GRCh38, 1-based): chr6:79,487,273, A>G on the plus strand (T>C on the coding strand, the complement: LCA5 is on the minus strand). VCF-style: chr6-79487273-A-G. GRCh37 (hg19) VCF-style: chr6-80196990-A-G.
Other names: c.1825T>C, p.Phe609Leu (NM_181714.4); short protein forms F609L.
Identifiers: ClinVar variation 844889 (VCV000844889.9), dbSNP rs778698913, ClinGen allele CA3900767.
Genomic context (GRCh38, chr6:79,487,273, plus strand): 5'-AAGCCACAGAATTTGGGTCACTGCTTTTGGAGGAAATGGTGCTGCTACCACTGGCACCAA[A>G]TAACTGTTCCATCAAATTAGCTTTTTTCTCTTTTCTTGTAATTAAATCTACACCATCTTT-3'
Protein context (NP_001116241.1, residues 599-619): EKKANLMEQL[Phe609Leu]GASGSSTISS

ClinVar aggregate classification (germline): Uncertain significance. Review status: criteria provided, multiple submitters, no conflicts (2 of 4 stars). 4 submissions from 4 submitters: Uncertain significance (3). 1 of the submissions does not count toward it. Last evaluated 2026-01-29.

Conditions:
LCA5-related disorder. Also called: LCA5-related condition.
Leber congenital amaurosis 5 (LCA5). Also called: Amaurosis congenita of Leber, type 5. Identifiers: Orphanet 65, MedGen C1858301, MONDO:0011473, OMIM 604537.

Allele frequency attached by ClinVar (database versions not stated): gnomAD exomes 0.00001 and 0.00002; TOPMed 0.00001; ExAC 0.00002; gnomAD 0.00003.
gnomAD v4.1: 36 of 1,614,000 alleles (0.0022%); highest among the groups gnomAD compares: African/African-American, 0.0053%; no homozygotes.

Submissions (4):

PreventionGenetics, part of Exact Sciences
Classification: Uncertain significance for LCA5-related condition. Last evaluated: 2026-01-29. Review status: criteria provided, single submitter. Criteria: ACMG Guidelines, 2015. Collection method: clinical testing. Allele origin: germline.
Comment: The LCA5 c.1825T>C variant is predicted to result in the amino acid substitution p.Phe609Leu. This variant was reported in an individual with retinitis pigmentosa (Table S4; Panneman et al. 2023. PubMed ID: 36819107). This variant is reported in 0.0040% of alleles in individuals of African descent in gnomAD. At this time, the clinical significance of this variant is uncertain due to the absence of conclusive functional and genetic evidence.

Blueprint Genetics
Classification: Uncertain significance. Last evaluated: 2024-10-24. Review status: criteria provided, single submitter. Criteria: ACMG Guidelines, 2015. Collection method: clinical testing. Allele origin: germline.

Labcorp Genetics (formerly Invitae), Labcorp
Classification: Uncertain significance. Last evaluated: 2024-09-06. Review status: criteria provided, single submitter. Criteria: Invitae Variant Classification Sherloc (09022015). Collection method: clinical testing. Allele origin: germline.
Comment: This sequence change replaces phenylalanine, which is neutral and non-polar, with leucine, which is neutral and non-polar, at codon 609 of the LCA5 protein (p.Phe609Leu). This variant is present in population databases (rs778698913, gnomAD 0.004%). This missense change has been observed in individual(s) with clinical features of LCA5-related conditions (PMID: 36819107). ClinVar contains an entry for this variant (Variation ID: 844889). Invitae Evidence Modeling of protein sequence and biophysical properties (such as structural, functional, and spatial information, amino acid conservation, physicochemical variation, residue mobility, and thermodynamic stability) indicates that this missense variant is expected to disrupt LCA5 protein function with a positive predictive value of 80%. In summary, the available evidence is currently insufficient to determine the role of this variant in disease. Therefore, it has been classified as a Variant of Uncertain Significance.

Natera, Inc.
Classification: Uncertain significance for Leber congenital amaurosis type 5. Last evaluated: 2020-10-01. Review status: no assertion criteria provided. Collection method: clinical testing. Allele origin: germline. Not counted in ClinVar's aggregate classification.

Literature cited by the submitters: PubMed 36819107 (cited by Labcorp Genetics (formerly Invitae), Labcorp).